The following is an entry in ClinVar:

ClinVar aggregate classification (germline): Uncertain significance (1 of 4 stars; one submission).

Conditions:
Hereditary cancer-predisposing syndrome. Also called: Hereditary Cancer Syndrome; Neoplastic Syndromes, Hereditary; Tumor predisposition; Hereditary neoplastic syndrome. Identifiers: Orphanet 140162, MedGen C0027672, MeSH D009386, MONDO:0015356.

gnomAD v4.1: 2 of 1,612,370 alleles (0.00012%); highest among the groups gnomAD compares: Non-Finnish European, 0.00017%; no homozygotes.

Submission:

Ambry Genetics
Classification: Uncertain significance for Hereditary cancer-predisposing syndrome. Last evaluated: 2025-10-29. Review status: criteria provided, single submitter. Criteria: Ambry Variant Classification Scheme 2023. Collection method: clinical testing. Allele origin: germline.
Comment: The p.Y2124H variant (also known as c.6370T>C), located in coding exon 43 of the ATM gene, results from a T to C substitution at nucleotide position 6370. The tyrosine at codon 2124 is replaced by histidine, an amino acid with similar properties. This amino acid position is well conserved in available vertebrate species. In addition, the in silico prediction for this alteration is inconclusive. Based on the available evidence, the clinical significance of this variant remains unclear.

NM_000051.4(ATM):c.6370T>C (p.Tyr2124His)

Genes: ATM (ATM serine/threonine kinase; plus strand), C11orf65 (chromosome 11 open reading frame 65; minus strand). Cytogenetic location: 11q22.3.
Variant type: single nucleotide variant.
Coding change: c.6370T>C on transcript NM_000051.4 (MANE Select); coding-DNA position 6370, T replaced by C.
Protein change: p.Tyr2124His; replaces tyrosine 2124 with histidine.
Molecular consequence: missense variant. On other transcripts: intron variant (2).
Genome position (GRCh38, 1-based): chr11:108,319,976, T>C. VCF-style: chr11-108319976-T-C. GRCh37 (hg19) VCF-style: chr11-108190703-T-C.
Other names: c.6370T>C, p.Tyr2124His (NM_001351834.2); c.641-10905A>G (NM_001330368.2); c.*39-10905A>G (NM_001351110.2); short protein forms Y2124H.
Identifiers: ClinVar variation 4617707 (VCV004617707.1).
Genomic context (GRCh38, chr11:108,319,976, plus strand): 5'-GTTTTTAAGTATATTTTTTTCTTTGACTTATCTCACAGCAAAGAAGTAGAAGGAACCAGT[T>C]ACCATGAATCATTGTACAATGCTCTACAATCTCTAAGAGACAGAGAATTCTCTACATTTT-3'
Protein context (NP_000042.3, residues 2114-2134): SVSKEVEGTS[Tyr2124His]HESLYNALQS